The following is an entry in ClinVar:

NM_003873.7(NRP1):c.936G>C (p.Glu312Asp)

Gene: NRP1 (neuropilin 1; minus strand). Cytogenetic location: 10p11.22.
Variant type: single nucleotide variant.
Coding change: c.936G>C on transcript NM_003873.7 (MANE Select); coding-DNA position 936, G replaced by C.
Protein change: p.Glu312Asp; replaces glutamic acid 312 with aspartic acid.
Molecular consequence: missense variant. On other transcripts: non-coding transcript variant (1).
Genome position (GRCh38, 1-based): chr10:33,254,073, C>G on the plus strand (G>C on the coding strand, the complement: NRP1 is on the minus strand). VCF-style: chr10-33254073-C-G. GRCh37 (hg19) VCF-style: chr10-33543001-C-G.
Other names: c.936G>C, p.Glu312Asp (NM_001024628.3, NM_001024629.3, NM_001244972.2 and 2 more transcripts); short protein forms E312D.
Identifiers: ClinVar variation 2634919 (VCV002634919.2), dbSNP rs2492589423, ClinGen allele CA376480155.
Genomic context (GRCh38, chr10:33,254,073, plus strand): 5'-TCTTATGCTGCATACCTGTATCCACTCTCGGTAGGAATCCTCTCCGGGAGTCCACCCATT[C>G]TCAGGGTAGTTCAGGCGGGAGCGCTCTGCAGACCAGTTGGTGCTATACTGGGAAGAAGCT-3'
Protein context (NP_003864.5, residues 302-322): SAERSRLNYP[Glu312Asp]NGWTPGEDSY

ClinVar aggregate classification (germline): Uncertain significance (1 of 4 stars; one submission).

Conditions:
NRP1-related disorder. Also called: NRP1-related condition.

Submission:

PreventionGenetics, part of Exact Sciences
Classification: Uncertain significance for NRP1-related condition. Last evaluated: 2025-08-06. Review status: criteria provided, single submitter. Criteria: ACMG Guidelines, 2015. Collection method: clinical testing. Allele origin: germline.
Comment: The NRP1 c.936G>C variant is predicted to result in the amino acid substitution p.Glu312Asp. To our knowledge, this variant has not been reported in the literature or in a large population database (gnomAD), indicating this variant is rare. At this time, the clinical significance of this variant is uncertain due to the absence of conclusive functional and genetic evidence.